The following is an entry in ClinVar:

NM_022124.6(CDH23):c.3268G>A (p.Val1090Ile)

Genes: C10orf105 (chromosome 10 open reading frame 105; minus strand), CDH23 (cadherin related 23; plus strand). Cytogenetic location: 10q22.1.
Variant type: single nucleotide variant.
Coding change: c.3268G>A on transcript NM_022124.6 (MANE Select); coding-DNA position 3268, G replaced by A.
Protein change: p.Val1090Ile; replaces valine 1090 with isoleucine.
Molecular consequence: missense variant. On other transcripts: 3 prime UTR variant (2).
Genome position (GRCh38, 1-based): chr10:71,712,712, G>A. VCF-style: chr10-71712712-G-A. GRCh37 (hg19) VCF-style: chr10-73472469-G-A.
Other names: c.*3224C>T (NM_001164375.3, NM_001168390.2); c.3268G>A, p.Val1090Ile (NM_001171930.2); short protein forms V1090I.
Identifiers: ClinVar variation 3352381 (VCV003352381.2).

ClinVar aggregate classification (germline): Uncertain significance. Review status: criteria provided, single submitter (1 of 4 stars). 2 submissions from 2 submitters: Uncertain significance (1). 1 of the submissions does not count toward it. Last evaluated 2025-03-21.

Conditions:
CDH23-related disorder. Also called: CDH23-related condition; CDH23-related disorders.

gnomAD v4.1: 76 of 1,613,592 alleles (0.0047%); highest among the groups gnomAD compares: Non-Finnish European, 0.0063%; no homozygotes.

Submissions (2):

GeneDx
Classification: Uncertain significance. Last evaluated: 2025-03-21. Review status: criteria provided, single submitter. Criteria: GeneDx Variant Classification Process June 2021. Collection method: clinical testing. Allele origin: germline. Affected: yes.
Comment: Not observed at significant frequency in large population cohorts (gnomAD); In silico analysis indicates that this missense variant does not alter protein structure/function; This variant is associated with the following publications: (PMID: 34426522, 37088079, 18429043)

PreventionGenetics, part of Exact Sciences
Classification: Uncertain significance for CDH23-related condition. Last evaluated: 2024-09-17. Review status: no assertion criteria provided. Collection method: clinical testing. Allele origin: germline. Not counted in ClinVar's aggregate classification.
Comment: The CDH23 c.3268G>A variant is predicted to result in the amino acid substitution p.Val1090Ile. This variant was reported in the homozygous state in an individual with Usher syndrome 1d (Oshima et al 2008. PubMed ID: 18429043). This variant is reported in 0.0063% of alleles in individuals of European (non-Finnish) descent in gnomAD. At this time, the clinical significance of this variant is uncertain due to the absence of conclusive functional and genetic evidence.